The following is an entry in ClinVar:

NM_015559.3(SETBP1):c.2341A>C (p.Thr781Pro)

Gene: SETBP1 (SET binding protein 1; plus strand). Cytogenetic location: 18q12.3.
Variant type: single nucleotide variant.
Coding change: c.2341A>C on transcript NM_015559.3 (MANE Select); coding-DNA position 2341, A replaced by C.
Protein change: p.Thr781Pro; replaces threonine 781 with proline.
Molecular consequence: missense variant.
Genome position (GRCh38, 1-based): chr18:44,951,681, A>C. VCF-style: chr18-44951681-A-C. GRCh37 (hg19) VCF-style: chr18-42531646-A-C.
Other names: c.2341A>C, p.Thr781Pro (NM_001379141.1, NM_001379142.1, NM_001410862.1); short protein forms T781P.
Identifiers: ClinVar variation 3160568 (VCV003160568.2), dbSNP rs1382075763, ClinGen allele CA402320970.

ClinVar aggregate classification (germline): Uncertain significance. Review status: criteria provided, multiple submitters, no conflicts (2 of 4 stars). 2 submissions from 2 submitters: Uncertain significance (2). Last evaluated 2025-09-14.

Conditions:
Inborn genetic diseases. Identifiers: MedGen C0950123, MeSH D030342.

Allele frequency attached by ClinVar (database versions not stated): gnomAD exomes below 0.00001.
gnomAD v4.1: 1 of 1,614,108 alleles (0.000062%); highest among the groups gnomAD compares: Non-Finnish European, 0.000085%; no homozygotes.

Submissions (2):

Labcorp Genetics (formerly Invitae), Labcorp
Classification: Uncertain significance. Last evaluated: 2025-09-14. Review status: criteria provided, single submitter. Criteria: Invitae Variant Classification Sherloc (09022015). Collection method: clinical testing. Allele origin: germline.
Comment: This sequence change replaces threonine, which is neutral and polar, with proline, which is neutral and non-polar, at codon 781 of the SETBP1 protein (p.Thr781Pro). This variant is present in population databases (no rsID available, gnomAD 0.0009%). This variant has not been reported in the literature in individuals affected with SETBP1-related conditions. ClinVar contains an entry for this variant (Variation ID: 3160568). Invitae Evidence Modeling of protein sequence and biophysical properties (such as structural, functional, and spatial information, amino acid conservation, physicochemical variation, residue mobility, and thermodynamic stability) indicates that this missense variant is not expected to disrupt SETBP1 protein function with a negative predictive value of 80%. In summary, the available evidence is currently insufficient to determine the role of this variant in disease. Therefore, it has been classified as a Variant of Uncertain Significance.

Ambry Genetics
Classification: Uncertain significance for Inborn genetic diseases. Last evaluated: 2023-12-26. Review status: criteria provided, single submitter. Criteria: Ambry Variant Classification Scheme 2023. Collection method: clinical testing. Allele origin: germline.